The following is an entry in ClinVar:

NM_003482.4(KMT2D):c.16184G>A (p.Trp5395Ter)

Gene: KMT2D (lysine methyltransferase 2D; minus strand). Cytogenetic location: 12q13.12.
Variant type: single nucleotide variant.
Coding change: c.16184G>A on transcript NM_003482.4 (MANE Select); coding-DNA position 16184, G replaced by A.
Protein change: p.Trp5395Ter; replaces tryptophan 5395 with a stop codon.
Molecular consequence: nonsense.
Genome position (GRCh38, 1-based): chr12:49,022,744, C>T on the plus strand (G>A on the coding strand, the complement: KMT2D is on the minus strand). VCF-style: chr12-49022744-C-T. GRCh37 (hg19) VCF-style: chr12-49416527-C-T.
Other names: short protein forms W5395*.
Identifiers: ClinVar variation 280332 (VCV000280332.2), dbSNP rs886041558, ClinGen allele CA10603303.

ClinVar aggregate classification (germline): Pathogenic (1 of 4 stars; one submission).

Submission:

GeneDx
Classification: Pathogenic. Last evaluated: 2016-02-28. Review status: criteria provided, single submitter. Criteria: GeneDx Variant Classification (06012015). Collection method: clinical testing. Allele origin: germline. Affected: yes.
Comment: The W5395X variant in the KMT2D gene has not been reported previously as a pathogenic variant nor as a benign variant, to our knowledge. This variant is predicted to cause loss of normal protein function either through protein truncation or nonsense-mediated mRNA decay. The W5395X variant was not observed in approximately 6300 individuals of European and African American ancestry in the NHLBI Exome Sequencing Project, indicating it is not a common benign variant in these populations. We interpret W5395X as a pathogenic variant.